The following is an entry in ClinVar:

NM_000051.4(ATM):c.8392_8393delinsTT (p.Ala2798Phe)

Genes: ATM (ATM serine/threonine kinase; plus strand), C11orf65 (chromosome 11 open reading frame 65; minus strand). Cytogenetic location: 11q22.3.
Variant type: Indel.
Coding change: c.8392_8393delinsTT on transcript NM_000051.4 (MANE Select); coding-DNA positions 8392 to 8393, GC replaced by TT.
Protein change: p.Ala2798Phe; replaces alanine 2798 with phenylalanine.
Molecular consequence: missense variant. On other transcripts: intron variant (2).
Genome position (GRCh38, 1-based): chr11:108,343,345-108,343,346, GC replaced by TT. VCF-style: chr11-108343345-GC-TT. GRCh37 (hg19) VCF-style: chr11-108214072-GC-TT.
Other names: c.8392_8393delGCinsTT, p.Ala2798Phe (NM_000051.3); c.8392_8393delinsTT, p.Ala2798Phe (NM_001351834.2); c.641-34275_641-34274delinsAA (NM_001330368.2); c.695-8054_695-8053delinsAA (NM_001351110.2); short protein forms A2798F.
Identifiers: ClinVar variation 846727 (VCV000846727.8), dbSNP rs2087837804, ClinGen allele CA916080488.
Genomic context (GRCh38, chr11:108,343,345, plus strand): 5'-GAATTTCTTGTTAACAATGAAGATGGTGCTCATAAAAGATACAGGCCAAATGATTTCAGT[GC>TT]CTTTCAGTGCCAAAAGAAAATGATGGTGAGTGACACCCAAAATTAAAGGTTATTGTAAGA-3'
Protein context (NP_000042.3, residues 2788-2808): HKRYRPNDFS[Ala2798Phe]FQCQKKMMEV

ClinVar aggregate classification (germline): Uncertain significance (1 of 4 stars; one submission).

Conditions:
Ataxia-telangiectasia syndrome (AT). Also called: ATAXIA-TELANGIECTASIA, COMPLEMENTATION GROUP A; ATAXIA-TELANGIECTASIA, FRESNO VARIANT; Ataxia-telangiectasia; Ataxia-telangiectasia, complementation group D; AT, COMPLEMENTATION GROUP C; Ataxia-telangiectasia, complementation group E. Identifiers: Orphanet 100, MedGen C0004135, MONDO:0008840, OMIM 208900.

Submission:

Labcorp Genetics (formerly Invitae), Labcorp
Classification: Uncertain significance for Ataxia-telangiectasia syndrome. Last evaluated: 2019-01-12. Review status: criteria provided, single submitter. Criteria: Invitae Variant Classification Sherloc (09022015). Collection method: clinical testing. Allele origin: germline.
Comment: In summary, the available evidence is currently insufficient to determine the role of this variant in disease. Therefore, it has been classified as a Variant of Uncertain Significance. Algorithms developed to predict the effect of missense changes on protein structure and function (SIFT, PolyPhen-2, Align-GVGD) all suggest that this variant is likely to be tolerated, but these predictions have not been confirmed by published functional studies and their clinical significance is uncertain. This variant has not been reported in the literature in individuals with ATM-related conditions. This variant is not present in population databases (ExAC no frequency). This sequence change replaces alanine with phenylalanine at codon 2798 of the ATM protein (p.Ala2798Phe). The alanine residue is weakly conserved and there is a moderate physicochemical difference between alanine and phenylalanine.